The following is an entry in ClinVar:

NM_000264.5(PTCH1):c.1164C>A (p.Asn388Lys)

Gene: PTCH1 (patched 1; minus strand). Cytogenetic location: 9q22.32.
Variant type: single nucleotide variant.
Coding change: c.1164C>A on transcript NM_000264.5 (MANE Select); coding-DNA position 1164, C replaced by A.
Protein change: p.Asn388Lys; replaces asparagine 388 with lysine.
Molecular consequence: missense variant. On other transcripts: non-coding transcript variant (1).
Genome position (GRCh38, 1-based): chr9:95,479,051, G>T on the plus strand (C>A on the coding strand, the complement: PTCH1 is on the minus strand). VCF-style: chr9-95479051-G-T. GRCh37 (hg19) VCF-style: chr9-98241333-G-T.
Other names: c.966C>A, p.Asn322Lys (NM_001083602.3); c.1161C>A, p.Asn387Lys (NM_001083603.3); c.711C>A, p.Asn237Lys (NM_001083604.3, NM_001083605.3, NM_001083606.3 and 1 more transcripts); c.1164C>A, p.Asn388Lys (NM_001354918.2); short protein forms N237K, N322K, N387K, N388K.
Identifiers: ClinVar variation 1314239 (VCV001314239.3), dbSNP rs201602238, ClinGen allele CA374119317.

ClinVar aggregate classification (germline): Uncertain significance. Review status: criteria provided, multiple submitters, no conflicts (2 of 4 stars). 2 submissions from 2 submitters: Uncertain significance (2). Last evaluated 2025-02-22.

Conditions:
Hereditary cancer-predisposing syndrome. Also called: Hereditary neoplastic syndrome; Neoplastic Syndromes, Hereditary; Tumor predisposition; Hereditary Cancer Syndrome. Identifiers: Orphanet 140162, MedGen C0027672, MeSH D009386, MONDO:0015356.

Submissions (2):

Ambry Genetics
Classification: Uncertain significance for Hereditary cancer-predisposing syndrome. Last evaluated: 2025-02-22. Review status: criteria provided, single submitter. Criteria: Ambry Variant Classification Scheme 2023. Collection method: clinical testing. Allele origin: germline.
Comment: The p.N388K variant (also known as c.1164C>A), located in coding exon 8 of the PTCH1 gene, results from a C to A substitution at nucleotide position 1164. The asparagine at codon 388 is replaced by lysine, an amino acid with similar properties. This amino acid position is well conserved in available vertebrate species. In addition, this alteration is predicted to be tolerated by in silico analysis. Based on the available evidence, the clinical significance of this variant remains unclear.

GeneDx
Classification: Uncertain significance. Last evaluated: 2020-01-28. Review status: criteria provided, single submitter. Criteria: GeneDx Variant Classification Process June 2021. Collection method: clinical testing. Allele origin: germline. Affected: yes.
Comment: Not observed in large population cohorts (Lek et al., 2016); In silico analysis, which includes protein predictors and evolutionary conservation, supports a deleterious effect; A different missense change at this residue (N388Y) has been reported in HGMD (Stenson et al., 2014); Has not been previously published as pathogenic or benign to our knowledge